The following is an entry in ClinVar:

ClinVar aggregate classification (germline): Uncertain significance (1 of 4 stars; one submission).

Conditions:
Oculocutaneous albinism type 3 (OCA3). Also called: ALBINISM III; Rufous OCA; Rufous albinism; Albinism, oculocutaneous, type III; RUFOUS OCULOCUTANEOUS ALBINISM; XANTHISM. Identifiers: Orphanet 79433, MedGen C0342683, MONDO:0008747, OMIM 203290.

Allele frequency attached by ClinVar (database versions not stated): ESP Exome Variant Server 0.00008.

Submission:

3billion
Classification: Uncertain significance for Oculocutaneous albinism type 3. Last evaluated: 2022-05-22. Review status: criteria provided, single submitter. Criteria: ACMG Guidelines, 2015. Collection method: clinical testing. Allele origin: germline. Affected: yes. Observed: 1 heterozygote.
Comment: The variant is observed at an extremely low frequency in the gnomAD v2.1.1 dataset (total allele frequency: <0.001%). In silico tools predict the variant to alter splicing and produce an abnormal transcript (SpliceAI: 0.84). Therefore, this variant is classified as uncertain significanceaccording to the recommendation of ACMG/AMP guideline.

NM_000550.3(TYRP1):c.913+5G>A

Gene: TYRP1 (tyrosinase related protein 1; plus strand). Cytogenetic location: 9p23.
Variant type: single nucleotide variant.
Coding change: c.913+5G>A on transcript NM_000550.3 (MANE Select); 5 bases into the intron after coding-DNA position 913, G replaced by A.
Molecular consequence: intron variant.
Genome position (GRCh38, 1-based): chr9:12,698,660, G>A. VCF-style: chr9-12698660-G-A. GRCh37 (hg19) VCF-style: chr9-12698660-G-A.
Identifiers: ClinVar variation 1687292 (VCV001687292.1), dbSNP rs374769303, ClinGen allele CA189308770.